The following is an entry in ClinVar:

NM_000057.4(BLM):c.467A>C (p.Asp156Ala)

Gene: BLM (BLM RecQ like helicase; plus strand). Cytogenetic location: 15q26.1.
Variant type: single nucleotide variant.
Coding change: c.467A>C on transcript NM_000057.4 (MANE Select); coding-DNA position 467, A replaced by C.
Protein change: p.Asp156Ala; replaces aspartic acid 156 with alanine.
Molecular consequence: missense variant. On other transcripts: 5 prime UTR variant (1).
Genome position (GRCh38, 1-based): chr15:90,749,735, A>C. VCF-style: chr15-90749735-A-C. GRCh37 (hg19) VCF-style: chr15-91292965-A-C.
Other names: c.467A>C, p.Asp156Ala (NM_001287246.2, NM_001287247.2); c.-825A>C (NM_001287248.2); short protein forms D156A.
Identifiers: ClinVar variation 4779384 (VCV004779384.1).
Genomic context (GRCh38, chr15:90,749,735, plus strand): 5'-TCAAGAAATTAGAATTTAGTTCTTCACCAGATTCTTTAAGTACCATCAATGATTGGGATG[A>C]TATGGATGACTTTGATACTTCTGAGACTTCAAAATCATTTGTTACACCACCCCAAAGTCA-3'
Protein context (NP_000048.1, residues 146-166): DSLSTINDWD[Asp156Ala]MDDFDTSETS

ClinVar aggregate classification (germline): Uncertain significance (1 of 4 stars; one submission).

Conditions:
Bloom syndrome (BLM). Also called: Bloom-Torre-Machacek syndrome. Identifiers: Orphanet 125, MedGen C0005859, MONDO:0008876, OMIM 210900.

Submission:

Labcorp Genetics (formerly Invitae), Labcorp
Classification: Uncertain significance for Bloom syndrome. Last evaluated: 2025-05-19. Review status: criteria provided, single submitter. Criteria: Invitae Variant Classification Sherloc (09022015). Collection method: clinical testing. Allele origin: germline.
Comment: This sequence change replaces aspartic acid, which is acidic and polar, with alanine, which is neutral and non-polar, at codon 156 of the BLM protein (p.Asp156Ala). This variant is not present in population databases (gnomAD no frequency). This variant has not been reported in the literature in individuals affected with BLM-related conditions. An algorithm developed to predict the effect of missense changes on protein structure and function (PolyPhen-2) suggests that this variant is likely to be disruptive. In summary, the available evidence is currently insufficient to determine the role of this variant in disease. Therefore, it has been classified as a Variant of Uncertain Significance.